The following is an entry in ClinVar:

ClinVar aggregate classification (germline): Likely benign (1 of 4 stars; one submission).

Conditions:
Neonatal diabetes mellitus with congenital hypothyroidism. Also called: NDH SYNDROME. Identifiers: Orphanet 79118, MedGen C1857775, MONDO:0012436, OMIM 610199.

Allele frequency attached by ClinVar (database versions not stated): TOPMed 0.00015; gnomAD 0.00019; 1000 Genomes Project 30x 0.00031; 1000 Genomes Project 0.00060.

Submission:

Illumina Laboratory Services, Illumina
Classification: Likely benign for Neonatal diabetes mellitus with congenital hypothyroidism. Last evaluated: 2018-01-13. Review status: criteria provided, single submitter. Criteria: ICSL Variant Classification Criteria 13 December 2019. Collection method: clinical testing. Allele origin: germline.
Comment: This variant was observed in the ICSL laboratory as part of a predisposition screen in an ostensibly healthy population. It had not been previously curated by ICSL or reported in the Human Gene Mutation Database (HGMD: prior to June 1st, 2018), and was therefore a candidate for classification through an automated scoring system. Utilizing variant allele frequency, disease prevalence and penetrance estimates, and inheritance mode, an automated score was calculated to assess if this variant is too frequent to cause the disease. Based on the score and internal cut-off values, a variant classified as likely benign is not then subjected to further curation. The score for this variant resulted in a classification of likely benign for this disease.

NM_001042413.2(GLIS3):c.-523C>G

Genes: GLIS3 (GLIS family zinc finger 3; minus strand), GLIS3-AS2 (GLIS3 antisense RNA 2; plus strand). Cytogenetic location: 9p24.2.
Variant type: single nucleotide variant.
Coding change: c.-523C>G on transcript NM_001042413.2 (MANE Select); 523 bases upstream of the start codon, C replaced by G.
Molecular consequence: 5 prime UTR variant.
Genome position (GRCh38, 1-based): chr9:4,299,845, G>C on the plus strand (C>G on the coding strand, the complement: GLIS3 is on the minus strand). VCF-style: chr9-4299845-G-C. GRCh37 (hg19) VCF-style: chr9-4299845-G-C.
Identifiers: ClinVar variation 367015 (VCV000367015.5), dbSNP rs547410899, ClinGen allele CA10634179.